The following is an entry in ClinVar:

NM_017654.4(SAMD9):c.608C>T (p.Thr203Ile)

Gene: SAMD9 (sterile alpha motif domain containing 9; minus strand). Cytogenetic location: 7q21.2.
Variant type: single nucleotide variant.
Coding change: c.608C>T on transcript NM_017654.4 (MANE Select); coding-DNA position 608, C replaced by T.
Protein change: p.Thr203Ile; replaces threonine 203 with isoleucine.
Molecular consequence: missense variant.
Genome position (GRCh38, 1-based): chr7:93,105,490, G>A on the plus strand (C>T on the coding strand, the complement: SAMD9 is on the minus strand). VCF-style: chr7-93105490-G-A. GRCh37 (hg19) VCF-style: chr7-92734803-G-A.
Other names: c.608C>T, p.Thr203Ile (NM_001193307.2); short protein forms T203I.
Identifiers: ClinVar variation 1346203 (VCV001346203.6), dbSNP rs1791622324, ClinGen allele CA368204495.

ClinVar aggregate classification (germline): Uncertain significance (1 of 4 stars; one submission).

Submission:

Labcorp Genetics (formerly Invitae), Labcorp
Classification: Uncertain significance. Last evaluated: 2022-07-19. Review status: criteria provided, single submitter. Criteria: Invitae Variant Classification Sherloc (09022015). Collection method: clinical testing. Allele origin: germline.
Comment: In summary, the available evidence is currently insufficient to determine the role of this variant in disease. Therefore, it has been classified as a Variant of Uncertain Significance. Algorithms developed to predict the effect of missense changes on protein structure and function (SIFT, PolyPhen-2, Align-GVGD) all suggest that this variant is likely to be tolerated. ClinVar contains an entry for this variant (Variation ID: 1346203). This variant has not been reported in the literature in individuals affected with SAMD9-related conditions. This variant is not present in population databases (gnomAD no frequency). This sequence change replaces threonine, which is neutral and polar, with isoleucine, which is neutral and non-polar, at codon 203 of the SAMD9 protein (p.Thr203Ile).